The following is an entry in ClinVar:

NM_004698.4(PRPF3):c.1664C>T (p.Ala555Val)

Gene: PRPF3 (pre-mRNA processing factor 3; plus strand). Cytogenetic location: 1q21.2.
Variant type: single nucleotide variant.
Coding change: c.1664C>T on transcript NM_004698.4 (MANE Select); coding-DNA position 1664, C replaced by T.
Protein change: p.Ala555Val; replaces alanine 555 with valine.
Molecular consequence: missense variant. On other transcripts: non-coding transcript variant (4).
Genome position (GRCh38, 1-based): chr1:150,346,041, C>T. VCF-style: chr1-150346041-C-T. GRCh37 (hg19) VCF-style: chr1-150318517-C-T.
Other names: c.1259C>T, p.Ala420Val (NM_001350529.1); short protein forms A420V, A555V.
Identifiers: ClinVar variation 3645249 (VCV003645249.2).

ClinVar aggregate classification (germline): Uncertain significance (1 of 4 stars; one submission).

Submission:

Labcorp Genetics (formerly Invitae), Labcorp
Classification: Uncertain significance. Last evaluated: 2024-03-18. Review status: criteria provided, single submitter. Criteria: Invitae Variant Classification Sherloc (09022015). Collection method: clinical testing. Allele origin: germline.
Comment: This sequence change replaces alanine, which is neutral and non-polar, with valine, which is neutral and non-polar, at codon 555 of the PRPF3 protein (p.Ala555Val). This variant is not present in population databases (gnomAD no frequency). This variant has not been reported in the literature in individuals affected with PRPF3-related conditions. Advanced modeling of protein sequence and biophysical properties (such as structural, functional, and spatial information, amino acid conservation, physicochemical variation, residue mobility, and thermodynamic stability) performed at Invitae indicates that this missense variant is expected to disrupt PRPF3 protein function with a positive predictive value of 80%. In summary, the available evidence is currently insufficient to determine the role of this variant in disease. Therefore, it has been classified as a Variant of Uncertain Significance.